The following is an entry in ClinVar:

NM_007294.4(BRCA1):c.3190A>C (p.Ser1064Arg)

Gene: BRCA1 (BRCA1 DNA repair associated; minus strand). Cytogenetic location: 17q21.31.
Variant type: single nucleotide variant.
Coding change: c.3190A>C on transcript NM_007294.4 (MANE Select); coding-DNA position 3190, A replaced by C.
Protein change: p.Ser1064Arg; replaces serine 1064 with arginine.
Molecular consequence: missense variant. On other transcripts: intron variant (137).
Genome position (GRCh38, 1-based): chr17:43,092,341, T>G on the plus strand (A>C on the coding strand, the complement: BRCA1 is on the minus strand). VCF-style: chr17-43092341-T-G. GRCh37 (hg19) VCF-style: chr17-41244358-T-G.
Other names: c.3109A>C, p.Ser1037Arg (NM_001407660.1, NM_001407659.1, NM_001407661.1 and 1 more transcripts); c.578-1309A>C (NM_001408480.1, NM_001408484.1, NM_001408478.1 and 9 more transcripts); c.779-1309A>C (NM_001408408.1); c.662-1309A>C (NM_001408446.1, NM_001408435.1, NM_001408450.1 and 6 more transcripts); c.785-1309A>C (NM_001407992.1, NM_001408398.1, NM_001408400.1 and 13 more transcripts); c.3046A>C, p.Ser1016Arg (NM_001407846.1, NM_001407847.1, NM_001407740.1 and 20 more transcripts); c.665-1309A>C (NM_001408440.1, NM_001408428.1, NM_001408427.1 and 12 more transcripts); c.671-1309A>C (NM_001408418.1, NM_001408422.1, NM_001408419.1 and 2 more transcripts); and 41 more; short protein forms S1016R, S1017R, S1022R, S1023R, S1037R, S1038R, S1061R, S1063R.
Identifiers: ClinVar variation 3338012 (VCV003338012.1).

ClinVar aggregate classification (germline): Uncertain significance (0 of 4 stars; one submission).

Conditions:
Hereditary breast ovarian cancer syndrome. Also called: Hereditary breast and ovarian cancer syndrome; BRCA1- and BRCA2-Associated Hereditary Breast and Ovarian Cancer; Breast and ovarian cancer; Hereditary breast and ovarian cancer; Hereditary breast and ovarian cancer syndrome (HBOC); Hereditary breast and/or ovarian cancer syndrome. Identifiers: Orphanet 145, MedGen C0677776, MeSH D061325, MONDO:0003582. Disease mechanism: loss of function.

Submission:

Department of Medical Laboratory Technology, Erbil Technical Health and Medical College, Erbil Polytechnic University
Classification: Uncertain significance for Hereditary breast ovarian cancer syndrome. Review status: no assertion criteria provided. Collection method: research. Allele origin: germline. Affected: yes. Observed: 1 variant allele.
Comment: Missense variant (c.3190A>C), single nucleotide substitusion (AGT to CGT), detected in exon 10 of BRCA1 gene,resulting in protien change (p.Ser1064Arg), that changes Serine which is polar but not charged amino acid to Arginine which is polar and positively charged amno acid, and according to LUMC Mutalyzer 3 the RNA prediction is NM_007294.3:r.(3190a>c). This exact variant c.3190A>C was not reported on the BRCA1 gene in the ClinVar database. The variant was detected on 2022 using NGS for BRCA1/2 whole exome sequencing from whole blood sample. This variant has not been reported in a large scale population database. Niether reported on BRCA Exchange.